The following is an entry in ClinVar:

ClinVar aggregate classification (germline): Pathogenic (1 of 4 stars; one submission).

Conditions:
Chédiak-Higashi syndrome (CHS). Also called: Chediak-Higashi Syndrome. Identifiers: Orphanet 167, MedGen C0007965, MONDO:0008963, OMIM 214500.

Submission:

Labcorp Genetics (formerly Invitae), Labcorp
Classification: Pathogenic for Chédiak-Higashi syndrome. Last evaluated: 2024-02-14. Review status: criteria provided, single submitter. Criteria: Invitae Variant Classification Sherloc (09022015). Collection method: clinical testing. Allele origin: germline.
Comment: This sequence change creates a premature translational stop signal (p.Met966Valfs*17) in the LYST gene. It is expected to result in an absent or disrupted protein product. Loss-of-function variants in LYST are known to be pathogenic (PMID: 9215679, 11857544). This variant is not present in population databases (gnomAD no frequency). This variant has not been reported in the literature in individuals affected with LYST-related conditions. For these reasons, this variant has been classified as Pathogenic.

Literature cited by the submitters: PubMed 9215679; PubMed 11857544.

NM_000081.4(LYST):c.2896_2897del (p.Met966fs)

Gene: LYST (lysosomal trafficking regulator; minus strand). Cytogenetic location: 1q42.3.
Variant type: Deletion.
Coding change: c.2896_2897del on transcript NM_000081.4 (MANE Select); coding-DNA positions 2896 to 2897, 2 bases deleted (AT; older notation c.2896_2897delAT).
Protein change: p.Met966fs; shifts the reading frame from methionine 966.
Molecular consequence: frameshift variant.
Genome position (GRCh38, 1-based): chr1:235,806,239-235,806,240, AT deleted on the plus strand (AT on the coding strand, the reverse complement: LYST is on the minus strand); deleting any 2 consecutive bases within chr1:235,806,239-235,806,241 gives the same sequence; the c. name uses the placement nearest the transcript's 3' end. VCF-style (leftmost placement, unchanged base first): chr1-235806238-CAT-C. GRCh37 (hg19) VCF-style: chr1-235969538-CAT-C.
Other names: c.2896_2897del, p.Met966fs (NM_001301365.1); short protein forms M966fs.
Identifiers: ClinVar variation 3640814 (VCV003640814.2).